The following is an entry in ClinVar:

NM_001377275.1(PER3):c.2245C>T (p.Arg749Trp)

Genes: PER3 (period circadian regulator 3; plus strand), LOC126805604 (CDK7 strongly-dependent group 2 enhancer GRCh37_chr1:7886590-7887789; plus strand). Cytogenetic location: 1p36.23.
Variant type: single nucleotide variant.
Coding change: c.2245C>T on transcript NM_001377275.1 (MANE Select); coding-DNA position 2245, C replaced by T.
Protein change: p.Arg749Trp; replaces arginine 749 with tryptophan.
Molecular consequence: missense variant.
Genome position (GRCh38, 1-based): chr1:7,827,174, C>T. VCF-style: chr1-7827174-C-T. GRCh37 (hg19) VCF-style: chr1-7887234-C-T.
Other names: c.2245C>T, p.Arg749Trp (NM_001289861.2, NM_001289862.2); c.2224C>T, p.Arg742Trp (NM_001289863.3, NM_001377276.1); c.1288C>T, p.Arg430Trp (NM_001289864.3); c.2221C>T, p.Arg741Trp (NM_016831.4); short protein forms R741W, R742W, R430W, R749W.
Identifiers: ClinVar variation 780748 (VCV000780748.8), dbSNP rs35687686, ClinGen allele CA568344.
Genomic context (GRCh38, chr1:7,827,174, plus strand): 5'-CCAGGAGATTCTACTTCCAAGCAGACGCGGTCGGCCGGCTGCAGGAAAGGGAAGCACAAG[C>T]GGAAGAAGCTGCCGGAGCCGCCAGACAGCAGCAGCTCGAACACCGGCTCTGGTCCCCGCA-3'
Protein context (NP_001364204.1, residues 739-759): SAGCRKGKHK[Arg749Trp]KKLPEPPDSS

ClinVar aggregate classification (germline): Benign/Likely benign. Review status: criteria provided, multiple submitters, no conflicts (2 of 4 stars). 4 submissions from 4 submitters: Benign (2); Likely benign (1). 1 of the submissions does not count toward it. Last evaluated 2024-10-07.

Conditions:
PER3-related disorder. Also called: PER3-related condition.

Allele frequency attached by ClinVar (database versions not stated): ESP Exome Variant Server 0.00554; TOPMed 0.00708; gnomAD 0.00593; 1000 Genomes Project 0.00599; 1000 Genomes Project 30x 0.00656.
gnomAD v4.1: 1,906 of 1,612,146 alleles (0.12%); highest among the groups gnomAD compares: African/African-American, 2.1%; 21 homozygotes.

Submissions (4):

Blueprint Genetics
Classification: Likely benign. Last evaluated: 2024-10-07. Review status: criteria provided, single submitter. Criteria: ACMG Guidelines, 2015. Collection method: clinical testing. Allele origin: germline.

Labcorp Genetics (formerly Invitae), Labcorp
Classification: Benign. Last evaluated: 2019-12-31. Review status: criteria provided, single submitter. Criteria: Invitae Variant Classification Sherloc (09022015). Collection method: clinical testing. Allele origin: germline.

Breakthrough Genomics
Classification: Benign. Review status: criteria provided, single submitter. Criteria: ACMG Guidelines, 2015. Collection method: not provided. Allele origin: germline. Inheritance: Autosomal dominant inheritance. Affected: yes.

PreventionGenetics, part of Exact Sciences
Classification: Benign for PER3-related condition. Last evaluated: 2019-09-17. Review status: no assertion criteria provided. Collection method: clinical testing. Allele origin: germline. Not counted in ClinVar's aggregate classification.
Comment: This variant is classified as benign based on ACMG/AMP sequence variant interpretation guidelines (Richards et al. 2015 PMID: 25741868, with internal and published modifications).